The following is an entry in ClinVar:

NM_001042472.3(ABHD12):c.1078C>T (p.Gln360Ter)

Gene: ABHD12 (abhydrolase domain containing 12, lysophospholipase; minus strand). Cytogenetic location: 20p11.21.
Variant type: single nucleotide variant.
Coding change: c.1078C>T on transcript NM_001042472.3 (MANE Select); coding-DNA position 1078, C replaced by T.
Protein change: p.Gln360Ter; replaces glutamine 360 with a stop codon.
Molecular consequence: nonsense.
Genome position (GRCh38, 1-based): chr20:25,302,298, G>A on the plus strand (C>T on the coding strand, the complement: ABHD12 is on the minus strand). VCF-style: chr20-25302298-G-A. GRCh37 (hg19) VCF-style: chr20-25282934-G-A.
Other names: c.1078C>T, p.Gln360Ter (NM_015600.5); short protein forms Q360*.
Identifiers: ClinVar variation 3654696 (VCV003654696.2).
Genomic context (GRCh38, chr20:25,302,298, plus strand): 5'-CAGGGCTCTTGTAAATGTATTTGTGCCTGTAGCCAAGGTCTGAATGAAAGGGCACAAACT[G>A]AACTTTGAAATCTCGGAAGCTTCGAGCTGGTGCGGCGATGCTATAGAGCTGGGGAGAGAG-3'

ClinVar aggregate classification (germline): Pathogenic (1 of 4 stars; one submission).

Submission:

Labcorp Genetics (formerly Invitae), Labcorp
Classification: Pathogenic. Last evaluated: 2024-06-02. Review status: criteria provided, single submitter. Criteria: Invitae Variant Classification Sherloc (09022015). Collection method: clinical testing. Allele origin: germline.
Comment: This sequence change creates a premature translational stop signal (p.Gln360*) in the ABHD12 gene. It is expected to result in an absent or disrupted protein product. Loss-of-function variants in ABHD12 are known to be pathogenic (PMID: 20797687). This variant is not present in population databases (gnomAD no frequency). This variant has not been reported in the literature in individuals affected with ABHD12-related conditions. Algorithms developed to predict the effect of sequence changes on RNA splicing suggest that this variant may disrupt the consensus splice site. For these reasons, this variant has been classified as Pathogenic.

Literature cited by the submitters: PubMed 20797687.